The following is an entry in ClinVar:

ClinVar aggregate classification (germline): Pathogenic/Likely pathogenic. Review status: criteria provided, multiple submitters, no conflicts (2 of 4 stars). 3 submissions from 3 submitters: Pathogenic (2); Likely pathogenic (1). Last evaluated 2025-09-10.

Conditions:
Familial steroid-resistant nephrotic syndrome with sensorineural deafness. Identifiers: Orphanet 280406, MedGen C3553349, MONDO:0013836, OMIM 614650.

Submissions (3):

Genomic Medicine Center of Excellence, King Faisal Specialist Hospital and Research Centre
Classification: Pathogenic for Familial steroid-resistant nephrotic syndrome with sensorineural deafness. Last evaluated: 2025-09-10. Review status: criteria provided, single submitter. Criteria: ACMG Guidelines, 2015. Collection method: clinical testing. Allele origin: germline.

Labcorp Genetics (formerly Invitae), Labcorp
Classification: Pathogenic. Last evaluated: 2022-08-16. Review status: criteria provided, single submitter. Criteria: Invitae Variant Classification Sherloc (09022015). Collection method: clinical testing. Allele origin: germline.
Comment: Algorithms developed to predict the effect of sequence changes on RNA splicing suggest that this variant may create or strengthen a splice site. For these reasons, this variant has been classified as Pathogenic. ClinVar contains an entry for this variant (Variation ID: 423078). This variant has not been reported in the literature in individuals affected with COQ6-related conditions. This variant is not present in population databases (gnomAD no frequency). This sequence change creates a premature translational stop signal (p.Asp385Tyrfs*28) in the COQ6 gene. It is expected to result in an absent or disrupted protein product. Loss-of-function variants in COQ6 are known to be pathogenic (PMID: 21540551, 24140869).

GeneDx
Classification: Likely pathogenic. Last evaluated: 2018-11-28. Review status: criteria provided, single submitter. Criteria: GeneDx Variant Classification (06012015). Collection method: clinical testing. Allele origin: germline. Affected: yes.
Comment: The c.1153_1154delGA variant has not been published as a pathogenic variant, nor has it been reported as a benign variant to our knowledge. The c.1153_1154delGA variant was not observed in approximately 6500 individuals of European and African American ancestry in the NHLBI Exome Sequencing Project, indicating it is not a common benign variant in these populations. The c.1153_1154delGA variant causes a frameshift starting with codon Aspartic Acid 385, changes this amino acid to a Tyrosine residue and creates a premature Stop codon at position 28 of the new reading frame, denoted p.Asp385TyrfsX28. This variant is predicted to cause loss of normal protein function either through protein truncation or nonsense-mediated mRNA decay. In summary, we interpret this variant as likely pathogenic.

Literature cited by the submitters: PubMed 21540551 (cited by Labcorp Genetics (formerly Invitae), Labcorp); PubMed 24140869 (cited by Labcorp Genetics (formerly Invitae), Labcorp).

NM_182476.3(COQ6):c.1153_1154del (p.Asp385fs)

Genes: COQ6 (coenzyme Q6, monooxygenase; plus strand), ENTPD5 (ectonucleoside triphosphate diphosphohydrolase 5; minus strand). Cytogenetic location: 14q24.3.
Variant type: Deletion.
Coding change: c.1153_1154del on transcript NM_182476.3 (MANE Select); coding-DNA positions 1153 to 1154, 2 bases deleted (GA; older notation c.1153_1154delGA).
Protein change: p.Asp385fs; shifts the reading frame from aspartic acid 385.
Molecular consequence: frameshift variant. On other transcripts: 3 prime UTR variant (1), intron variant (5).
Genome position (GRCh38, 1-based): chr14:73,961,513-73,961,514, GA deleted. VCF-style (leftmost placement, unchanged base first): chr14-73961512-GGA-G. GRCh37 (hg19) VCF-style: chr14-74428215-GGA-G.
Other names: c.1153_1154del, p.Asp385fs (NM_001425255.1); c.1045_1046del, p.Asp349fs (NM_001425256.1); c.988_989del, p.Asp330fs (NM_001425257.1); c.970_971del, p.Asp324fs (NM_001425258.1); c.928_929del, p.Asp310fs (NM_001425259.1, NM_001425260.1, NM_001425261.1); c.898_899del, p.Asp300fs (NM_001425262.1); c.826_827del, p.Asp276fs (NM_001425263.1); c.613_614del, p.Asp205fs (NM_001425264.1, NM_001425265.1); and 5 more; short protein forms D360fs, D385fs, D205fs, D276fs, D300fs, D310fs, D324fs, D330fs.
Identifiers: ClinVar variation 423078 (VCV000423078.9), dbSNP rs1064796212, ClinGen allele CA16619885.